The following is an entry in ClinVar:

ClinVar aggregate classification (germline): Uncertain significance (1 of 4 stars; one submission).

Allele frequency attached by ClinVar (database versions not stated): gnomAD 0.00001; gnomAD exomes 0.00001; TOPMed 0.00003; ExAC 0.00006.
gnomAD v4.1: 18 of 1,613,614 alleles (0.0011%); highest among the groups gnomAD compares: Admixed American, 0.013%; no homozygotes.

Submission:

Labcorp Genetics (formerly Invitae), Labcorp
Classification: Uncertain significance. Last evaluated: 2022-11-15. Review status: criteria provided, single submitter. Criteria: Invitae Variant Classification Sherloc (09022015). Collection method: clinical testing. Allele origin: germline.
Comment: In summary, the available evidence is currently insufficient to determine the role of this variant in disease. Therefore, it has been classified as a Variant of Uncertain Significance. Advanced modeling of protein sequence and biophysical properties (such as structural, functional, and spatial information, amino acid conservation, physicochemical variation, residue mobility, and thermodynamic stability) performed at Invitae indicates that this missense variant is not expected to disrupt BMPER protein function. This variant has not been reported in the literature in individuals affected with BMPER-related conditions. This variant is present in population databases (rs267601491, gnomAD 0.02%). This sequence change replaces aspartic acid, which is acidic and polar, with asparagine, which is neutral and polar, at codon 254 of the BMPER protein (p.Asp254Asn).

NM_001365308.1(BMPER):c.760G>A (p.Asp254Asn)

Gene: BMPER (BMP binding endothelial regulator; plus strand). Cytogenetic location: 7p14.3.
Variant type: single nucleotide variant.
Coding change: c.760G>A on transcript NM_001365308.1 (MANE Select); coding-DNA position 760, G replaced by A.
Protein change: p.Asp254Asn; replaces aspartic acid 254 with asparagine.
Molecular consequence: missense variant.
Genome position (GRCh38, 1-based): chr7:34,051,944, G>A. VCF-style: chr7-34051944-G-A. GRCh37 (hg19) VCF-style: chr7-34091556-G-A.
Other names: c.760G>A, p.Asp254Asn (NM_133468.5); short protein forms D254N.
Identifiers: ClinVar variation 1924959 (VCV001924959.3), dbSNP rs267601491, ClinGen allele CA4215176.